The following is an entry in ClinVar:

GRCh38/hg38 4q12(chr4:51870025-55102392)x1

Genes: CHIC2 (cysteine rich hydrophobic domain 2; minus strand), DANCR (differentiation antagonizing non-protein coding RNA; plus strand), DCUN1D4 (defective in cullin neddylation 1 domain containing 4; plus strand), ERVMER34-1 (endogenous retrovirus group MER34 member 1, envelope; minus strand), FIP1L1 (factor interacting with PAPOLA and CPSF1; plus strand) and 67 more. Cytogenetic location: 4q12.
Variant type: copy number loss.
Change: copy number 1 (one copy instead of two) of chr4:51,870,025-55,102,392 (3.23 Mb, GRCh38 coordinates, 1-based), cytogenetic band 4q12.
Identifiers: ClinVar variation 57309 (VCV000057309.1).

ClinVar aggregate classification (germline): Pathogenic (1 of 4 stars; one submission).

Submission:

ISCA site 4
Classification: Pathogenic. Last evaluated: 2011-08-12. Review status: criteria provided, single submitter. Criteria: Kaminsky et al. (Genet Med. 2011). Collection method: clinical testing. Allele origin: unknown. Affected: yes. Observed: 1 variant allele.
Comment: Copy number variation identified through the course of routine clinical cytogenomic testing in postnatal populations. Clinical assertions have been curated as described in Kaminsky et al. 2011.